The following is an entry in ClinVar:

ClinVar aggregate classification (germline): Likely benign (1 of 4 stars; one submission).

Conditions:
Familial thoracic aortic aneurysm and aortic dissection (TAAD). Also called: Thoracic aortic aneurysms and dissections. Identifiers: Orphanet 91387, MedGen C4707243, MONDO:0019625.

Submission:

All of Us Research Program, National Institutes of Health
Classification: Likely benign for Familial thoracic aortic aneurysm and aortic dissection. Last evaluated: 2023-12-18. Review status: criteria provided, single submitter. Criteria: ACMG Guidelines, 2015. Collection method: clinical testing. Allele origin: germline. Inheritance: Autosomal dominant inheritance. Observed: 1 variant allele, 1 heterozygote.
Comment: This study involves interpretation of variants in research participants for the purpose of population health screening. Participant phenotype was not available at the time of variant classification. Additional details can be found in publication PMID: 35346344, PMCID: PMC8962531

NM_002474.3(MYH11):c.531-13C>T

Gene: MYH11 (myosin heavy chain 11; minus strand). Cytogenetic location: 16p13.11.
Variant type: single nucleotide variant.
Coding change: c.531-13C>T on transcript NM_002474.3 (MANE Select); 13 bases into the intron before coding-DNA position 531, C replaced by T.
Molecular consequence: intron variant.
Genome position (GRCh38, 1-based): chr16:15,786,745, G>A on the plus strand (C>T on the coding strand, the complement: MYH11 is on the minus strand). VCF-style: chr16-15786745-G-A. GRCh37 (hg19) VCF-style: chr16-15880602-G-A.
Other names: c.531-13C>T (NM_022844.3, NM_001040114.2, NM_001040113.2).
Identifiers: ClinVar variation 3075156 (VCV003075156.1), dbSNP rs1424389771, ClinGen allele CA2825002404.